The following is an entry in ClinVar:

NM_153460.4(IL17RC):c.910G>A (p.Ala304Thr)

Gene: IL17RC (interleukin 17 receptor C; plus strand). Cytogenetic location: 3p25.3.
Variant type: single nucleotide variant.
Coding change: c.910G>A on transcript NM_153460.4 (MANE Select); coding-DNA position 910, G replaced by A.
Protein change: p.Ala304Thr; replaces alanine 304 with threonine.
Molecular consequence: missense variant. On other transcripts: non-coding transcript variant (1).
Genome position (GRCh38, 1-based): chr3:9,928,337, G>A. VCF-style: chr3-9928337-G-A. GRCh37 (hg19) VCF-style: chr3-9970021-G-A.
Other names: c.910G>A, p.Ala304Thr (NM_001203263.2, NM_001203264.2); c.865G>A, p.Ala289Thr (NM_001203265.2, NM_001367280.1, NM_001410711.1 and 1 more transcripts); c.871G>A, p.Ala291Thr (NM_001367278.1); c.790G>A, p.Ala264Thr (NM_001367279.1); c.1123G>A, p.Ala375Thr (NM_153461.4); short protein forms A289T, A291T, A304T, A375T, A264T.
Identifiers: ClinVar variation 4805046 (VCV004805046.1).

ClinVar aggregate classification (germline): Uncertain significance (1 of 4 stars; one submission).

Conditions:
Candidiasis, familial, 9 (CANDF9). Identifiers: Orphanet 1334, MedGen C4225324, MONDO:0014642, OMIM 616445.

gnomAD v4.1: 32 of 1,603,474 alleles (0.002%); highest among the groups gnomAD compares: African/African-American, 0.008%; no homozygotes.

Submission:

Labcorp Genetics (formerly Invitae), Labcorp
Classification: Uncertain significance for Candidiasis, familial, 9. Last evaluated: 2025-10-14. Review status: criteria provided, single submitter. Criteria: Invitae Variant Classification Sherloc (09022015). Collection method: clinical testing. Allele origin: germline.
Comment: This sequence change replaces alanine, which is neutral and non-polar, with threonine, which is neutral and polar, at codon 375 of the IL17RC protein (p.Ala375Thr). This variant is present in population databases (rs758390328, gnomAD 0.01%). This variant has not been reported in the literature in individuals affected with IL17RC-related conditions. An algorithm developed to predict the effect of missense changes on protein structure and function outputs the following: PolyPhen-2: "Benign". The threonine amino acid residue is found in multiple mammalian species, which suggests that this missense change does not adversely affect protein function. In summary, the available evidence is currently insufficient to determine the role of this variant in disease. Therefore, it has been classified as a Variant of Uncertain Significance.